The following is an entry in ClinVar:

NM_001042492.3(NF1):c.4333-13_4333-4delinsAACAGGGTTATAAATA

Gene: NF1 (neurofibromin 1; plus strand). Cytogenetic location: 17q11.2.
Variant type: Indel.
Coding change: c.4333-13_4333-4delinsAACAGGGTTATAAATA on transcript NM_001042492.3 (MANE Select); 13 bases into the intron before coding-DNA position 4333 through 4 bases into the intron before coding-DNA position 4333, TTTTATTGTG replaced by AACAGGGTTATAAATA.
Molecular consequence: intron variant.
Genome position (GRCh38, 1-based): chr17:31,259,019-31,259,028, TTTTATTGTG replaced by AACAGGGTTATAAATA. VCF-style: chr17-31259019-TTTTATTGTG-AACAGGGTTATAAATA. GRCh37 (hg19) VCF-style: chr17-29586037-TTTTATTGTG-AACAGGGTTATAAATA.
Other names: c.4270-13_4270-4del10insAACAGGGTTATAAATA (NM_000267.3); c.4270-13_4270-4delinsAACAGGGTTATAAATA (NM_000267.4).
Identifiers: ClinVar variation 1739259 (VCV001739259.2), dbSNP rs2508413266, ClinGen allele CA2580092982.

ClinVar aggregate classification (germline): Uncertain significance (1 of 4 stars; one submission).

Conditions:
Cardiovascular phenotype. Identifiers: MedGen CN230736.
Hereditary cancer-predisposing syndrome. Also called: Hereditary Cancer Syndrome; Hereditary neoplastic syndrome; Neoplastic Syndromes, Hereditary; Tumor predisposition. Identifiers: Orphanet 140162, MedGen C0027672, MeSH D009386, MONDO:0015356.

Submission:

Ambry Genetics
Classification: Uncertain significance for Cardiovascular phenotype; Hereditary cancer-predisposing syndrome. Last evaluated: 2019-06-07. Review status: criteria provided, single submitter. Criteria: Ambry Variant Classification Scheme 2023. Collection method: clinical testing. Allele origin: germline.
Comment: The c.4270-13_4270-4del10ins16 intronic variant, located in intron 31 of the NF1 gene, results from the deletion of 10 nucleotides at nuclotide positions c.4270-13 to c.4270-4 and the insertion of 16 nucleotides (AACAGGGTTATAAATA) at nucleotide position 4270-4. This nucleotide region is not well conserved in available vertebrate species. Using the BDGP and ESEfinder splice site prediction tools, this alteration is predicted to abolish the native acceptor splice site; however, direct evidence is unavailable. Since supporting evidence is limited at this time, the clinical significance of this alteration remains unclear.